The following is an entry in ClinVar:

NM_014780.5(CUL7):c.480A>T (p.Pro160=)

Gene: CUL7 (cullin 7; minus strand). Cytogenetic location: 6p21.1.
Variant type: single nucleotide variant.
Coding change: c.480A>T on transcript NM_014780.5 (MANE Select); coding-DNA position 480, A replaced by T.
Protein change: p.Pro160=; no amino-acid change (proline 160 retained).
Molecular consequence: synonymous variant.
Genome position (GRCh38, 1-based): chr6:43,052,309, T>A on the plus strand (A>T on the coding strand, the complement: CUL7 is on the minus strand). VCF-style: chr6-43052309-T-A. GRCh37 (hg19) VCF-style: chr6-43020047-T-A.
Other names: c.480A>T, p.Pro160= (NM_001168370.2, NM_001374872.1, NM_001374873.1 and 1 more transcripts).
Identifiers: ClinVar variation 5039035 (VCV005039035.1).

ClinVar aggregate classification (germline): Likely benign (1 of 4 stars; one submission).

Submission:

CeGaT Center for Human Genetics Tuebingen
Classification: Likely benign. Last evaluated: 2026-08-01. Review status: criteria provided, single submitter. Criteria: CeGaT Center For Human Genetics Tuebingen Variant Classification Criteria Version 2. Collection method: clinical testing. Allele origin: germline. Affected: yes. Observed: 3 variant alleles.
Comment: CUL7: PM2:Supporting, BP4, BP7